The following is an entry in ClinVar:

ClinVar aggregate classification (germline): Pathogenic (1 of 4 stars; one submission).

Allele frequency attached by ClinVar (database versions not stated): TOPMed 0.00001.
gnomAD v4.1: 11 of 1,614,052 alleles (0.00068%); highest among the groups gnomAD compares: Non-Finnish European, 0.00093%; no homozygotes.

Submission:

Labcorp Genetics (formerly Invitae), Labcorp
Classification: Pathogenic. Last evaluated: 2024-11-09. Review status: criteria provided, single submitter. Criteria: Invitae Variant Classification Sherloc (09022015). Collection method: clinical testing. Allele origin: germline.
Comment: This sequence change creates a premature translational stop signal (p.Glu9*) in the IFT43 gene. It is expected to result in an absent or disrupted protein product. Loss-of-function variants in IFT43 are known to be pathogenic (PMID: 21378380, 28400947). This variant is present in population databases (no rsID available, gnomAD 0.002%). This variant has not been reported in the literature in individuals affected with IFT43-related conditions. ClinVar contains an entry for this variant (Variation ID: 968952). For these reasons, this variant has been classified as Pathogenic.

Literature cited by the submitters: PubMed 21378380; PubMed 28400947.

NM_001102564.3(IFT43):c.25G>T (p.Glu9Ter)

Gene: IFT43 (intraflagellar transport 43; plus strand). Cytogenetic location: 14q24.3.
Variant type: single nucleotide variant.
Coding change: c.25G>T on transcript NM_001102564.3 (MANE Select); coding-DNA position 25, G replaced by T.
Protein change: p.Glu9Ter; replaces glutamic acid 9 with a stop codon.
Molecular consequence: nonsense. On other transcripts: non-coding transcript variant (2).
Genome position (GRCh38, 1-based): chr14:75,985,811, G>T. VCF-style: chr14-75985811-G-T. GRCh37 (hg19) VCF-style: chr14-76452154-G-T.
Other names: c.25G>T, p.Glu9Ter (NM_001255995.3, NM_052873.3); short protein forms E9*.
Identifiers: ClinVar variation 968952 (VCV000968952.9), dbSNP rs751183646, ClinGen allele CA390472832.